The following is an entry in ClinVar:

NM_025207.5(FLAD1):c.853T>C (p.Tyr285His)

Gene: FLAD1 (flavin adenine dinucleotide synthetase 1; plus strand). Cytogenetic location: 1q21.3.
Variant type: single nucleotide variant.
Coding change: c.853T>C on transcript NM_025207.5 (MANE Select); coding-DNA position 853, T replaced by C.
Protein change: p.Tyr285His; replaces tyrosine 285 with histidine.
Molecular consequence: missense variant.
Genome position (GRCh38, 1-based): chr1:154,988,585, T>C. VCF-style: chr1-154988585-T-C. GRCh37 (hg19) VCF-style: chr1-154961061-T-C.
Other names: c.562T>C, p.Tyr188His (NM_001184891.2, NM_201398.3); c.556T>C, p.Tyr186His (NM_001184892.2); short protein forms Y186H, Y188H, Y285H.
Identifiers: ClinVar variation 3372430 (VCV003372430.1).

ClinVar aggregate classification (germline): Uncertain significance (1 of 4 stars; one submission).

gnomAD v4.1: 12 of 1,614,104 alleles (0.00074%); highest among the groups gnomAD compares: East Asian, 0.0067%; no homozygotes.

Submission:

GeneDx
Classification: Uncertain significance. Last evaluated: 2024-04-17. Review status: criteria provided, single submitter. Criteria: GeneDx Variant Classification Process June 2021. Collection method: clinical testing. Allele origin: germline. Affected: yes.
Comment: Not observed at significant frequency in large population cohorts (gnomAD); In silico analysis supports that this missense variant has a deleterious effect on protein structure/function; Has not been previously published as pathogenic or benign to our knowledge